The following is an entry in ClinVar:

ClinVar aggregate classification (germline): Pathogenic (1 of 4 stars; one submission).

Conditions:
Dyskeratosis congenita, autosomal dominant 2. Identifiers: MedGen C3151443, MONDO:0013521, OMIM 613989.
Idiopathic Pulmonary Fibrosis. Also called: Idiopathic fibrosing alveolitis, chronic form; idiopathic fibrosing alveolitis. Identifiers: Orphanet 2032, MedGen C1800706, MeSH D054990, MONDO:0800504.

Submission:

Labcorp Genetics (formerly Invitae), Labcorp
Classification: Pathogenic for Dyskeratosis congenita, autosomal dominant 2; Idiopathic Pulmonary Fibrosis. Last evaluated: 2022-10-30. Review status: criteria provided, single submitter. Criteria: Invitae Variant Classification Sherloc (09022015). Collection method: clinical testing. Allele origin: germline.
Comment: For these reasons, this variant has been classified as Pathogenic. This variant has not been reported in the literature in individuals affected with TERT-related conditions. This variant is not present in population databases (gnomAD no frequency). This sequence change creates a premature translational stop signal (p.Glu20Glyfs*171) in the TERT gene. It is expected to result in an absent or disrupted protein product. Loss-of-function variants in TERT are known to be pathogenic (PMID: 16247010, 17460043).

Literature cited by the submitters: PubMed 16247010; PubMed 17460043.

NM_198253.3(TERT):c.57_58del (p.Glu20fs)

Genes: TERT (telomerase reverse transcriptase; minus strand), LOC110806263 (TERT 5' regulatory region; plus strand). Cytogenetic location: 5p15.33.
Variant type: Microsatellite.
Coding change: c.57_58del on transcript NM_198253.3 (MANE Select); coding-DNA positions 57 to 58, 2 bases deleted (CG; older notation c.57_58delCG).
Protein change: p.Glu20fs; shifts the reading frame from glutamic acid 20.
Molecular consequence: frameshift variant. On other transcripts: non-coding transcript variant (2).
Genome position (GRCh38, 1-based): chr5:1,294,932-1,294,933, CG deleted on the plus strand (CG on the coding strand, the reverse complement: TERT is on the minus strand); deleting any 2 consecutive bases within chr5:1,294,932-1,294,935 gives the same sequence; the c. name uses the placement nearest the transcript's 3' end. VCF-style (leftmost placement, unchanged base first): chr5-1294931-TCG-T. GRCh37 (hg19) VCF-style: chr5-1295046-TCG-T.
Other names: c.57_58del, p.Glu20fs (NM_001193376.3); c.55_56CG[1], p.Glu20Glyfs (NM_003219.1); short protein forms E20fs.
Identifiers: ClinVar variation 1994215 (VCV001994215.4), dbSNP rs2478436219, ClinGen allele CA2578259808.